The following is an entry in ClinVar:

ClinVar aggregate classification (germline): Benign/Likely benign. Review status: criteria provided, multiple submitters, no conflicts (2 of 4 stars). 6 submissions from 6 submitters: Benign (4); Likely benign (2). Last evaluated 2026-02-03.

Allele frequency attached by ClinVar (database versions not stated): gnomAD exomes 0.05738 and 0.07552; ExAC 0.07741; ESP Exome Variant Server 0.10072; gnomAD 0.10277 and 0.10306; TOPMed 0.10996; 1000 Genomes Project 0.13638; 1000 Genomes Project 30x 0.14225.
gnomAD v4.1: 100,116 of 1,614,138 alleles (6.2%); highest among the groups gnomAD compares: African/African-American, 22%; 4,774 homozygotes.

Submissions (6):

Labcorp Genetics (formerly Invitae), Labcorp
Classification: Benign. Last evaluated: 2026-02-03. Review status: criteria provided, single submitter. Criteria: Invitae Variant Classification Sherloc (09022015). Collection method: clinical testing. Allele origin: germline.

Women's Health and Genetics/Laboratory Corporation of America, LabCorp
Classification: Likely benign. Last evaluated: 2026-01-21. Review status: criteria provided, single submitter. Criteria: LabCorp Variant Classification Summary - May 2015. Collection method: clinical testing. Allele origin: germline.

Blueprint Genetics
Classification: Likely benign. Last evaluated: 2024-11-26. Review status: criteria provided, single submitter. Criteria: ACMG Guidelines, 2015. Collection method: clinical testing. Allele origin: germline.

Mayo Clinic Laboratories, Mayo Clinic
Classification: Benign. Last evaluated: 2022-09-06. Review status: criteria provided, single submitter. Criteria: ACMG Guidelines, 2015. Collection method: clinical testing. Allele origin: germline. Observed: 13 variant alleles.

Laboratory for Molecular Medicine, Mass General Brigham Personalized Medicine
Classification: Benign. Last evaluated: 2016-03-28. Review status: criteria provided, single submitter. Criteria: LMM Criteria. Collection method: clinical testing. Allele origin: germline.
Comment: Variant identified in a genome or exome case(s) and assessed due to predicted null impact of the variant or pathogenic assertions in the literature or databases. Disclaimer: This variant has not undergone full assessment. The following are preliminary notes: Frequency

Breakthrough Genomics
Classification: Benign. Review status: criteria provided, single submitter. Criteria: ACMG Guidelines, 2015. Collection method: not provided. Allele origin: germline. Inheritance: Autosomal recessive inheritance. Affected: yes.

NM_000562.3(C8A):c.1681G>C (p.Glu561Gln)

Gene: C8A (complement C8 alpha chain; plus strand). Cytogenetic location: 1p32.2.
Variant type: single nucleotide variant.
Coding change: c.1681G>C on transcript NM_000562.3 (MANE Select); coding-DNA position 1681, G replaced by C.
Protein change: p.Glu561Gln; replaces glutamic acid 561 with glutamine.
Molecular consequence: missense variant.
Genome position (GRCh38, 1-based): chr1:56,917,642, G>C. VCF-style: chr1-56917642-G-C. GRCh37 (hg19) VCF-style: chr1-57383315-G-C.
Other names: short protein forms E561Q.
Identifiers: ClinVar variation 402464 (VCV000402464.17), dbSNP rs1342440, ClinGen allele CA875472.